The following is an entry in ClinVar:

ClinVar aggregate classification (germline): Uncertain significance (1 of 4 stars; one submission).

Submission:

Labcorp Genetics (formerly Invitae), Labcorp
Classification: Uncertain significance. Last evaluated: 2023-12-01. Review status: criteria provided, single submitter. Criteria: Invitae Variant Classification Sherloc (09022015). Collection method: clinical testing. Allele origin: germline.
Comment: This sequence change replaces leucine, which is neutral and non-polar, with methionine, which is neutral and non-polar, at codon 129 of the DEAF1 protein (p.Leu129Met). This variant is not present in population databases (gnomAD no frequency). This variant has not been reported in the literature in individuals affected with DEAF1-related conditions. An algorithm developed to predict the effect of missense changes on protein structure and function (PolyPhen-2) suggests that this variant is likely to be disruptive. In summary, the available evidence is currently insufficient to determine the role of this variant in disease. Therefore, it has been classified as a Variant of Uncertain Significance.

NM_021008.4(DEAF1):c.385C>A (p.Leu129Met)

Gene: DEAF1 (DEAF1 transcription factor; minus strand). Cytogenetic location: 11p15.5.
Variant type: single nucleotide variant.
Coding change: c.385C>A on transcript NM_021008.4 (MANE Select); coding-DNA position 385, C replaced by A.
Protein change: p.Leu129Met; replaces leucine 129 with methionine.
Molecular consequence: missense variant. On other transcripts: 5 prime UTR variant (1).
Genome position (GRCh38, 1-based): chr11:691,503, G>T on the plus strand (C>A on the coding strand, the complement: DEAF1 is on the minus strand). VCF-style: chr11-691503-G-T. GRCh37 (hg19) VCF-style: chr11-691503-G-T.
Other names: c.385C>A, p.Leu129Met (NM_001293634.2); c.-342C>A (NM_001367390.1); short protein forms L129M.
Identifiers: ClinVar variation 2700066 (VCV002700066.3), dbSNP rs1489312981, ClinGen allele CA378937412.